The following is an entry in ClinVar:

NM_024642.5(GALNT12):c.1419G>T (p.Gln473His)

Gene: GALNT12 (polypeptide N-acetylgalactosaminyltransferase 12; plus strand). Cytogenetic location: 9q22.33.
Variant type: single nucleotide variant.
Coding change: c.1419G>T on transcript NM_024642.5 (MANE Select); coding-DNA position 1419, G replaced by T.
Protein change: p.Gln473His; replaces glutamine 473 with histidine.
Molecular consequence: missense variant.
Genome position (GRCh38, 1-based): chr9:98,844,170, G>T. VCF-style: chr9-98844170-G-T. GRCh37 (hg19) VCF-style: chr9-101606452-G-T.
Other names: short protein forms Q473H.
Identifiers: ClinVar variation 2566252 (VCV002566252.2), dbSNP rs2490552558, ClinGen allele CA374221480.
Genomic context (GRCh38, chr9:98,844,170, plus strand): 5'-ACTAACAGACTACTGCTTTGACTATAACCCTCCCGATGAAAACCAGATTGTGGGACACCA[G>T]GTCATTCTGTACCTCTGTCATGGGATGGGCCAGAATCAGGTAGGTATGAGCCTCAAAAGA-3'
Protein context (NP_078918.3, residues 463-483): PPDENQIVGH[Gln473His]VILYLCHGMG

ClinVar aggregate classification (germline): Uncertain significance (1 of 4 stars; one submission).

Allele frequency attached by ClinVar (database versions not stated): gnomAD exomes below 0.00001.
gnomAD v4.1: 1 of 1,613,800 alleles (0.000062%); highest among the groups gnomAD compares: Non-Finnish European, 0.000085%; no homozygotes.

Submission:

Ambry Genetics
Classification: Uncertain significance. Last evaluated: 2023-05-02. Review status: criteria provided, single submitter. Criteria: Ambry Variant Classification Scheme 2023. Collection method: clinical testing. Allele origin: germline.
Comment: The p.Q473H variant (also known as c.1419G>T), located in coding exon 8 of the GALNT12 gene, results from a G to T substitution at nucleotide position 1419. The glutamine at codon 473 is replaced by histidine, an amino acid with highly similar properties. This amino acid position is not well conserved in available vertebrate species. In addition, this alteration is predicted to be tolerated by in silico analysis. The evidence for this gene-disease relationship is limited; therefore, the clinical significance of this alteration is unclear.